The following is an entry in ClinVar:

ClinVar aggregate classification (germline): Conflicting classifications of pathogenicity. Review status: criteria provided, conflicting classifications (1 of 4 stars). 10 submissions from 9 submitters: Likely pathogenic (1); Uncertain significance (7). 2 of the submissions do not count toward it. Last evaluated 2025-08-04.

Conditions:
Retinal dystrophy. Also called: Inherited retinal dystrophy. Identifiers: Orphanet 71862, MedGen C0854723, MeSH D058499, MONDO:0019118, HP:0000556.
USH2A-related disorder. Also called: USH2A-related disorders; USH2A-related condition. Identifiers: MedGen CN239332.
Inborn genetic diseases. Identifiers: MedGen C0950123, MeSH D030342.
Usher syndrome type 2A. Also called: RETINAL DISEASE IN USHER SYNDROME TYPE IIA, MODIFIER OF; USHER SYNDROME, TYPE IIA. Identifiers: Orphanet 231178, Orphanet 886, MedGen C1848634, MONDO:0010169, OMIM 276901.
Retinitis pigmentosa 39 (RP39). Identifiers: Orphanet 791, MedGen C3151138, MONDO:0013436, OMIM 613809.

Allele frequency attached by ClinVar (database versions not stated): gnomAD 0.00001 and 0.00002; gnomAD exomes 0.00001 and 0.00003; ExAC 0.00002; TOPMed 0.00002; 1000 Genomes Project 30x 0.00016; 1000 Genomes Project 0.00020.
gnomAD v4.1: 18 of 1,613,964 alleles (0.0011%); highest among the groups gnomAD compares: Admixed American, 0.0033%; no homozygotes.

Submissions (10):

PreventionGenetics, part of Exact Sciences
Classification: Uncertain significance for USH2A-related condition. Last evaluated: 2025-08-04. Review status: criteria provided, single submitter. Criteria: ACMG Guidelines, 2015. Collection method: clinical testing. Allele origin: germline.
Comment: The USH2A c.12362G>A variant is predicted to result in the amino acid substitution p.Arg4121His. To our knowledge, this variant has not been reported in the literature. This variant is reported in 0.011% of alleles in individuals of East Asian descent in gnomAD. At this time, the clinical significance of this variant is uncertain due to the absence of conclusive functional and genetic evidence.

Ambry Genetics
Classification: Uncertain significance for Inborn genetic diseases. Last evaluated: 2025-05-16. Review status: criteria provided, single submitter. Criteria: Ambry Variant Classification Scheme 2023. Collection method: clinical testing. Allele origin: germline.

Genome-Nilou Lab
Classification: Uncertain significance for Retinitis pigmentosa 39. Last evaluated: 2023-11-04. Review status: criteria provided, single submitter. Criteria: ACMG Guidelines, 2015. Collection method: clinical testing. Allele origin: germline. Affected: no.

Genome-Nilou Lab
Classification: Uncertain significance for Usher syndrome type 2A. Last evaluated: 2023-11-04. Review status: criteria provided, single submitter. Criteria: ACMG Guidelines, 2015. Collection method: clinical testing. Allele origin: germline. Affected: no.

Dept Of Ophthalmology, Nagoya University
Classification: Uncertain significance for Retinal dystrophy. Last evaluated: 2023-10-01. Review status: criteria provided, single submitter. Criteria: Submitter's publication. Collection method: research. Allele origin: germline. Affected: yes.

Labcorp Genetics (formerly Invitae), Labcorp
Classification: Uncertain significance. Last evaluated: 2022-10-17. Review status: criteria provided, single submitter. Criteria: Invitae Variant Classification Sherloc (09022015). Collection method: clinical testing. Allele origin: germline.
Comment: This sequence change replaces arginine, which is basic and polar, with histidine, which is basic and polar, at codon 4121 of the USH2A protein (p.Arg4121His). This variant is present in population databases (rs397517980, gnomAD 0.007%). This variant has not been reported in the literature in individuals affected with USH2A-related conditions. ClinVar contains an entry for this variant (Variation ID: 48398). Advanced modeling of protein sequence and biophysical properties (such as structural, functional, and spatial information, amino acid conservation, physicochemical variation, residue mobility, and thermodynamic stability) performed at Invitae indicates that this missense variant is not expected to disrupt USH2A protein function. In summary, the available evidence is currently insufficient to determine the role of this variant in disease. Therefore, it has been classified as a Variant of Uncertain Significance.

Blueprint Genetics
Classification: Likely pathogenic for USH2A-related disorders. Last evaluated: 2022-04-29. Review status: criteria provided, single submitter. Criteria: ACMG Guidelines, 2015. Collection method: clinical testing. Allele origin: germline. Affected: yes. Observed: 5 variant alleles.

Laboratory for Molecular Medicine, Mass General Brigham Personalized Medicine
Classification: Uncertain significance. Last evaluated: 2012-04-10. Review status: criteria provided, single submitter. Criteria: LMM Criteria. Collection method: clinical testing. Allele origin: germline. Observed: 1 variant allele.
Comment: The Arg4121His variant in USH2A has not been reported in the literature nor prev iously identified by our laboratory. Computational analyses (biochemical amino a cid properties, conservation, AlignGVGD, PolyPhen2, and SIFT) do not provide str ong support for or against an impact to the protein. In summary, the clinical si gnificance of this variant cannot be determined with certainty.

Natera, Inc.
Classification: Uncertain significance for Usher syndrome type 2A. Last evaluated: 2020-01-24. Review status: no assertion criteria provided. Collection method: clinical testing. Allele origin: germline. Not counted in ClinVar's aggregate classification.

Counsyl
Classification: Uncertain significance for Usher syndrome type 2A; Retinitis pigmentosa 39. Last evaluated: 2017-06-30. Review status: no assertion criteria provided. Collection method: clinical testing. Allele origin: unknown. Not counted in ClinVar's aggregate classification.

NM_206933.4(USH2A):c.12362G>A (p.Arg4121His)

Gene: USH2A (usherin; minus strand). Cytogenetic location: 1q41.
Variant type: single nucleotide variant.
Coding change: c.12362G>A on transcript NM_206933.4 (MANE Select); coding-DNA position 12362, G replaced by A.
Protein change: p.Arg4121His; replaces arginine 4121 with histidine.
Molecular consequence: missense variant.
Genome position (GRCh38, 1-based): chr1:215,675,549, C>T on the plus strand (G>A on the coding strand, the complement: USH2A is on the minus strand). VCF-style: chr1-215675549-C-T. GRCh37 (hg19) VCF-style: chr1-215848891-C-T.
Other names: short protein forms R4121H.
Identifiers: ClinVar variation 48398 (VCV000048398.13), dbSNP rs397517980, ClinGen allele CA143288.